The following is an entry in ClinVar:

ClinVar aggregate classification (germline): Likely benign (1 of 4 stars; one submission).

Conditions:
PRX-related disorder. Also called: PRX-related condition; PRX-Related Disorders.

gnomAD v4.1: 3 of 1,613,430 alleles (0.00019%); highest among the groups gnomAD compares: Non-Finnish European, 0.00017%; no homozygotes.

Submission:

PreventionGenetics, part of Exact Sciences
Classification: Likely benign for PRX-related condition. Last evaluated: 2024-10-29. Review status: criteria provided, single submitter. Criteria: ACMG Guidelines, 2015. Collection method: clinical testing. Allele origin: germline.
Comment: This variant is classified as likely benign based on ACMG/AMP sequence variant interpretation guidelines (Richards et al. 2015 PMID: 25741868, with internal and published modifications).

NM_181882.3(PRX):c.1059G>A (p.Val353=)

Gene: PRX (periaxin; minus strand). Cytogenetic location: 19q13.2.
Variant type: single nucleotide variant.
Coding change: c.1059G>A on transcript NM_181882.3 (MANE Select); coding-DNA position 1059, G replaced by A.
Protein change: p.Val353=; no amino-acid change (valine 353 retained).
Molecular consequence: synonymous variant. On other transcripts: 3 prime UTR variant (1).
Genome position (GRCh38, 1-based): chr19:40,397,293, C>T on the plus strand (G>A on the coding strand, the complement: PRX is on the minus strand). VCF-style: chr19-40397293-C-T. GRCh37 (hg19) VCF-style: chr19-40903200-C-T.
Other names: c.1344G>A, p.Val448= (NM_001411127.1); c.*1264G>A (NM_020956.2).
Identifiers: ClinVar variation 4977890 (VCV004977890.1).
Genomic context (GRCh38, chr19:40,397,293, plus strand): 5'-AGCAACTTCCTTTGCTCGAGCCCCAAATCGGGGAAAACTAAGGCGGGGCATCTTCAGGGC[C>T]ACCTCAGGTGCCTCTCCCCGGGCCTCCACCTCTGCACCCGGCAAGGCCAGGTCCACCCCC-3'
Protein context (NP_870998.2, residues 343-363): EVEARGEAPE[Val353=]ALKMPRLSFP